The following is an entry in ClinVar:

ClinVar aggregate classification (germline): Pathogenic (0 of 4 stars; one submission).

Conditions:
Bardet-Biedl syndrome 5 (BBS5). Identifiers: Orphanet 110, MedGen C3892039, MONDO:0014434, OMIM 615983.

Submission:

Laboratory of Nephrology, Qingdao Municipal Hospital
Classification: Pathogenic for Bardet-Biedl syndrome 5. Last evaluated: 2021-10-05. Review status: no assertion criteria provided. Collection method: clinical testing. Allele origin: paternal. Inheritance: Autosomal recessive inheritance. Affected: yes.
Comment: Obviously, this large deletion is pathogenic.

Literature cited by the submitters: PubMed 18203199.

NM_152384.3:c.(?_-60)_(386+1_387-1)del

Gene: BBS5 (Bardet-Biedl syndrome 5; plus strand).
Variant type: Deletion.
Other names: c.(?_-60)_(386+1_387-1)del (NM_152384.3).
Identifiers: ClinVar variation 1679815 (VCV001679815.1).